The following is an entry in ClinVar:

NC_000008.10:g.(?_100123306)_(100133735_?)dup

Gene: VPS13B (vacuolar protein sorting 13 homolog B; plus strand). Cytogenetic location: 8q22.2.
Variant type: Duplication.
Identifiers: ClinVar variation 1521841 (VCV001521841.5).

ClinVar aggregate classification (germline): Likely pathogenic (1 of 4 stars; one submission).

Conditions:
Cohen syndrome (COH1). Also called: PEPPER SYNDROME; Cutis verticis gyrata, retinitis pigmentosa, and sensorineural deafness. Identifiers: Orphanet 193, MedGen C0265223, MONDO:0008999, OMIM 216550.

Submission:

Labcorp Genetics (formerly Invitae), Labcorp
Classification: Likely pathogenic for Cohen syndrome. Last evaluated: 2021-12-22. Review status: criteria provided, single submitter. Criteria: Invitae Variant Classification Sherloc (09022015). Collection method: clinical testing. Allele origin: germline.
Comment: In summary, the currently available evidence indicates that the variant is pathogenic, but additional data are needed to prove that conclusively. Therefore, this variant has been classified as Likely Pathogenic. This variant has not been reported in the literature in individuals affected with VPS13B-related conditions. This variant results in a copy number gain of the genomic region encompassing exon(s) 6-8 of the VPS13B gene While the exact position of this variant cannot be determined from the data, sub-genic copy number gains are generally in tandem (PMID: 25640679). This variant is predicted to be out-of-frame, and may result in an absent or disrupted protein product. Loss-of-function variants in VPS13B are known to be pathogenic (PMID: 15141358, 16648375, 20461111).

Literature cited by the submitters: PubMed 25640679; PubMed 15141358; PubMed 16648375; PubMed 20461111.